The following is an entry in ClinVar:

ClinVar aggregate classification (germline): Uncertain significance (1 of 4 stars; one submission).

Conditions:
Primary familial hypertrophic cardiomyopathy (HCM). Identifiers: Orphanet 99739, MedGen C0949658, MeSH D024741, MONDO:0024573. Inheritance: Various modes of inheritance.
Hypertrophic cardiomyopathy 25 (CMH25). Also called: CARDIOMYOPATHY, FAMILIAL HYPERTROPHIC, 25. Identifiers: MedGen C4225408, MONDO:0011843, OMIM 607487.

gnomAD v4.1: 1 of 1,611,058 alleles (0.000062%); highest among the groups gnomAD compares: East Asian, 0.0022%; no homozygotes.

Submission:

Labcorp Genetics (formerly Invitae), Labcorp
Classification: Uncertain significance for Hypertrophic cardiomyopathy 25; Primary familial hypertrophic cardiomyopathy. Last evaluated: 2025-08-13. Review status: criteria provided, single submitter. Criteria: Invitae Variant Classification Sherloc (09022015). Collection method: clinical testing. Allele origin: germline.
Comment: This sequence change replaces histidine, which is basic and polar, with arginine, which is basic and polar, at codon 48 of the TCAP protein (p.His48Arg). This variant is present in population databases (rs763037167, gnomAD 0.006%). This variant has not been reported in the literature in individuals affected with TCAP-related conditions. ClinVar contains an entry for this variant (Variation ID: 3749182). An algorithm developed to predict the effect of missense changes on protein structure and function outputs the following: PolyPhen-2: "Benign". The arginine amino acid residue is found in multiple mammalian species, which suggests that this missense change does not adversely affect protein function. In summary, the available evidence is currently insufficient to determine the role of this variant in disease. Therefore, it has been classified as a Variant of Uncertain Significance.

NM_003673.4(TCAP):c.143A>G (p.His48Arg)

Gene: TCAP (titin-cap; plus strand). Cytogenetic location: 17q12.
Variant type: single nucleotide variant.
Coding change: c.143A>G on transcript NM_003673.4 (MANE Select); coding-DNA position 143, A replaced by G.
Protein change: p.His48Arg; replaces histidine 48 with arginine.
Molecular consequence: missense variant.
Genome position (GRCh38, 1-based): chr17:39,665,748, A>G. VCF-style: chr17-39665748-A-G. GRCh37 (hg19) VCF-style: chr17-37822001-A-G.
Other names: short protein forms H48R.
Identifiers: ClinVar variation 3749182 (VCV003749182.2).